The following is an entry in ClinVar:

ClinVar aggregate classification (germline): Pathogenic (1 of 4 stars; one submission).

Conditions:
Atypical hemolytic-uremic syndrome. Identifiers: Orphanet 2134, MedGen C2931788, MONDO:0016244.

Submission:

Genomenon, Inc
Classification: Pathogenic for Atypical hemolytic-uremic syndrome. Last evaluated: 2025-10-02. Review status: criteria provided, single submitter. Criteria: Genomenon Sequence Variant Interpretation Standards - Updated. Collection method: curation. Allele origin: germline. Affected: yes.
Comment: CFH p.Asp748AsnfsTer10 (c.2242_2245del) is a frameshift variant that results in the production of a truncated protein which is predicted to undergo nonsense-mediated mRNA decay. This variant has been observed in at least one proband affected with atypical hemolytic-uremic syndrome (PMID:30890598;29282226). It is absent or not present at a significant frequency in gnomAD. In conclusion, we classify CFH p.Asp748AsnfsTer10 (c.2242_2245del) as a pathogenic variant.

Literature cited by the submitters: PubMed 30890598; PubMed 29282226.

NM_000186.4(CFH):c.2242_2245del (p.Asp748fs)

Gene: CFH (complement factor H; plus strand). Cytogenetic location: 1q31.3.
Variant type: Deletion.
Coding change: c.2242_2245del on transcript NM_000186.4 (MANE Select); coding-DNA positions 2242 to 2245, 4 bases deleted (GATA; older notation c.2242_2245delGATA).
Protein change: p.Asp748fs; shifts the reading frame from aspartic acid 748.
Molecular consequence: frameshift variant.
Genome position (GRCh38, 1-based): chr1:196,728,351-196,728,354, GATA deleted; deleting any 4 consecutive bases within chr1:196,728,348-196,728,354 gives the same sequence; the c. name uses the placement nearest the transcript's 3' end. VCF-style (leftmost placement, unchanged base first): chr1-196728347-AATAG-A. GRCh37 (hg19) VCF-style: chr1-196697477-AATAG-A.
Other names: short protein forms D748fs.
Identifiers: ClinVar variation 4291462 (VCV004291462.1).
Genomic context (GRCh38, chr1:196,728,347, plus strand): 5'-GTAATAGTTGGTTTGATTCCTATCATTTGAATTTTCATAAAAATATATTTATTTTATAGC[AATAG>A]ATAAACTTAAGAAGTGCAAATCATCAAATTTAATTATACTTGAGGAACATTTAAAAAACA-3'